The following is an entry in ClinVar:

NM_001365951.3(KIF1B):c.4358G>A (p.Gly1453Asp)

Gene: KIF1B (kinesin family member 1B; plus strand). Cytogenetic location: 1p36.22.
Variant type: single nucleotide variant.
Coding change: c.4358G>A on transcript NM_001365951.3 (MANE Select); coding-DNA position 4358, G replaced by A.
Protein change: p.Gly1453Asp; replaces glycine 1453 with aspartic acid.
Molecular consequence: missense variant.
Genome position (GRCh38, 1-based): chr1:10,363,336, G>A. VCF-style: chr1-10363336-G-A. GRCh37 (hg19) VCF-style: chr1-10423394-G-A.
Other names: c.4358G>A, p.Gly1453Asp (NM_001365952.1); c.4220G>A, p.Gly1407Asp (NM_015074.3); short protein forms G1453D, G1407D.
Identifiers: ClinVar variation 4043128 (VCV004043128.1).

ClinVar aggregate classification (germline): Uncertain significance (1 of 4 stars; one submission).

Submission:

Ambry Genetics
Classification: Uncertain significance. Last evaluated: 2025-05-11. Review status: criteria provided, single submitter. Criteria: Ambry Variant Classification Scheme 2023. Collection method: clinical testing. Allele origin: germline.
Comment: The p.G1407D variant (also known as c.4220G>A), located in coding exon 38 of the KIF1B gene, results from a G to A substitution at nucleotide position 4220. The glycine at codon 1407 is replaced by aspartic acid, an amino acid with similar properties. This amino acid position is conserved. In addition, this alteration is predicted to be deleterious by in silico analysis. Based on the available evidence, the clinical significance of this variant remains unclear.